The following is an entry in ClinVar:

ClinVar aggregate classification (germline): Pathogenic. Review status: criteria provided, multiple submitters, no conflicts (2 of 4 stars). 3 submissions from 3 submitters: Pathogenic (2). 1 of the submissions does not count toward it. Last evaluated 2025-04-29.

Conditions:
Erythrocytosis, familial, 6. Also called: ERYTHROCYTOSIS, BETA-GLOBIN TYPE; POLYCYTHEMIA, BETA-GLOBIN TYPE. Identifiers: MedGen C4693822, MONDO:0054801, OMIM 617980.
Heinz body anemia. Also called: Heinz body hemolytic anemia. Identifiers: Orphanet 178330, MedGen C0700299, MONDO:0007705, OMIM 140700, HP:0005511.
Dominant beta-thalassemia. Also called: Beta-thalassemia, dominant inclusion body type. Identifiers: Orphanet 231226, Orphanet 848, MedGen C1858990, MONDO:0011381, OMIM 603902.
Hb SS disease (SCD). Also called: Hemoglobin SS; Sickle cell anemia; Sickle cell disease; HbS disease; Hemoglobin S Disease; Sickling disorder due to hemoglobin S. Identifiers: Orphanet 232, Orphanet 275752, MedGen C0002895, MONDO:0011382, OMIM 603903.
METHEMOGLOBINEMIA, BETA TYPE. Also called: Methemoglobinemia, beta-globin type. Identifiers: MedGen C1840779, OMIM 617971.
Malaria, susceptibility to. Identifiers: Orphanet 673, MedGen C1970028, MONDO:0021024, OMIM 611162.
Hereditary persistence of fetal hemoglobin. Identifiers: MedGen C0019025, MONDO:0020989, OMIM 141749.
Beta-thalassemia HBB/LCRB. Identifiers: MedGen CN322236, MONDO:0013517, OMIM 613985.
Hemoglobinopathy. Also called: Hemoglobin disorder; Haemoglobinopathies. Identifiers: MedGen C0019045, MONDO:0044348.

Submissions (3):

Women's Health and Genetics/Laboratory Corporation of America, LabCorp
Classification: Pathogenic for Hemoglobinopathy. Last evaluated: 2025-04-29. Review status: criteria provided, single submitter. Criteria: LabCorp Variant Classification Summary - May 2015. Collection method: clinical testing. Allele origin: germline.
Comment: Variant summary: HBB c.436T>A (p.Tyr146Asn, a.k.a. Hb Olser) results in a non-conservative amino acid change in the encoded protein sequence. Four of four in-silico tools predict a damaging effect of the variant on protein function. These data indicate that the variant is likely to be associated with disease. The variant allele was absent in 121380 control chromosomes (in ExAC). The variant has been reported in several individuals affected with erythrocytosis (Hutt 1996, Charache 1975, Kattamis 1997). Experimental evidence demonstrated a highly increased oxygen affinity for the variant hemoglobin (Charache 1975, Kattamis 1997), that subsequently, can cause tissue hypoxia and secondary erythrocytosis. No clinical diagnostic laboratories have submitted clinical-significance assessments for this variant to ClinVar after 2014. Based on the evidence outlined above, the variant was classified as pathogenic.

Fulgent Genetics
Classification: Pathogenic for Heinz body anemia; Hereditary persistence of fetal hemoglobin; Dominant beta-thalassemia; Hb SS disease; Malaria, susceptibility to; Beta-thalassemia HBB/LCRB; METHEMOGLOBINEMIA, BETA TYPE; Erythrocytosis, familial, 6. Last evaluated: 2024-04-19. Review status: criteria provided, single submitter. Criteria: ACMG Guidelines, 2015. Collection method: clinical testing. Allele origin: germline.

OMIM
Classification: Pathogenic for ERYTHROCYTOSIS 6. Last evaluated: 1997-03-01. Review status: no assertion criteria provided. Collection method: literature only. Allele origin: germline. Not counted in ClinVar's aggregate classification.

Literature cited by the submitters: PubMed 9101280 (cited by Women's Health and Genetics/Laboratory Corporation of America, LabCorp and OMIM); PubMed 8701949 (cited by Women's Health and Genetics/Laboratory Corporation of America, LabCorp); PubMed 7158624 (cited by Women's Health and Genetics/Laboratory Corporation of America, LabCorp and OMIM); PubMed 3971046 (cited by Women's Health and Genetics/Laboratory Corporation of America, LabCorp); PubMed 1117598 (cited by OMIM); PubMed 239863 (cited by OMIM); PubMed 1164510 (cited by OMIM).

NM_000518.5(HBB):c.436T>A (p.Tyr146Asn)

Genes: HBB (hemoglobin subunit beta; minus strand), LOC107133510 (origin of replication at HBB; plus strand), LOC110006319 (beta-globin gene 3' regulatory region; plus strand). Cytogenetic location: 11p15.4.
Variant type: single nucleotide variant.
Coding change: c.436T>A on transcript NM_000518.5 (MANE Select); coding-DNA position 436, T replaced by A.
Protein change: p.Tyr146Asn; replaces tyrosine 146 with asparagine.
Molecular consequence: missense variant.
Genome position (GRCh38, 1-based): chr11:5,225,606, A>T on the plus strand (T>A on the coding strand, the complement: HBB is on the minus strand). VCF-style: chr11-5225606-A-T. GRCh37 (hg19) VCF-style: chr11-5246836-A-T.
Other names: HBB, TYR145ASN-TO-ASP; Y145N; Hb Osler; Hb Fort Gordon; HEMOGLOBIN NANCY; short protein forms Y146N.
Identifiers: ClinVar variation 633256 (VCV000633256.6), dbSNP rs33949869, ClinGen allele CA217112211.